The following is an entry in ClinVar:

NM_017780.4(CHD7):c.2075C>G (p.Pro692Arg)

Genes: CHD7 (chromodomain helicase DNA binding protein 7; plus strand), LOC126860403 (CDK7 strongly-dependent group 2 enhancer GRCh37_chr8:61693034-61694233; plus strand). Cytogenetic location: 8q12.2.
Variant type: single nucleotide variant.
Coding change: c.2075C>G on transcript NM_017780.4 (MANE Select); coding-DNA position 2075, C replaced by G.
Protein change: p.Pro692Arg; replaces proline 692 with arginine.
Molecular consequence: missense variant. On other transcripts: intron variant (1).
Genome position (GRCh38, 1-based): chr8:60,781,409, C>G. VCF-style: chr8-60781409-C-G. GRCh37 (hg19) VCF-style: chr8-61693968-C-G.
Other names: c.1716+359C>G (NM_001316690.1); short protein forms P692R.
Identifiers: ClinVar variation 1959226 (VCV001959226.5), dbSNP rs2487541284, ClinGen allele CA371313602.
Genomic context (GRCh38, chr8:60,781,409, plus strand): 5'-AAGCCCCTAAGATTCCCAAAGAGCCAAAGGAAAAGAAAGCAAAAACTGCCACGCCAAAAC[C>G]CAAATCCAGCAAAAAGTCAAGGTAGGCTGTGGGCAGAAAAAACAACTGCAAAACATTGAG-3'
Protein context (NP_060250.2, residues 682-702): EKKAKTATPK[Pro692Arg]KSSKKSSNKK

ClinVar aggregate classification (germline): Uncertain significance (1 of 4 stars; one submission).

Conditions:
CHARGE syndrome (CHARGE). Also called: Hittner Hirsch Kreh syndrome; CHARGE ASSOCIATION--COLOBOMA, HEART ANOMALY, CHOANAL ATRESIA, RETARDATION, GENITAL AND EAR ANOMALIES; Coloboma, heart anomaly, choanal atresia, retardation, genital and ear anomalies; CHARGE association; Hall-Hittner syndrome. Identifiers: Orphanet 138, MedGen C0265354, MONDO:0008965.

Submission:

Labcorp Genetics (formerly Invitae), Labcorp
Classification: Uncertain significance for CHARGE syndrome. Last evaluated: 2025-06-03. Review status: criteria provided, single submitter. Criteria: Invitae Variant Classification Sherloc (09022015). Collection method: clinical testing. Allele origin: germline.
Comment: This sequence change replaces proline, which is neutral and non-polar, with arginine, which is basic and polar, at codon 692 of the CHD7 protein (p.Pro692Arg). This variant is not present in population databases (gnomAD no frequency). This variant has not been reported in the literature in individuals affected with CHD7-related conditions. ClinVar contains an entry for this variant (Variation ID: 1959226). Invitae Evidence Modeling of protein sequence and biophysical properties (such as structural, functional, and spatial information, amino acid conservation, physicochemical variation, residue mobility, and thermodynamic stability) indicates that this missense variant is not expected to disrupt CHD7 protein function with a negative predictive value of 80%. In summary, the available evidence is currently insufficient to determine the role of this variant in disease. Therefore, it has been classified as a Variant of Uncertain Significance.